The following is an entry in ClinVar:

ClinVar aggregate classification (germline): Likely benign (1 of 4 stars; one submission).

gnomAD v4.1: 54 of 1,612,270 alleles (0.0033%); highest among the groups gnomAD compares: East Asian, 0.0089%; no homozygotes.

Submission:

CeGaT Center for Human Genetics Tuebingen
Classification: Likely benign. Last evaluated: 2025-06-01. Review status: criteria provided, single submitter. Criteria: CeGaT Center For Human Genetics Tuebingen Variant Classification Criteria Version 2. Collection method: clinical testing. Allele origin: germline. Affected: yes. Observed: 1 variant allele.
Comment: CELSR2: BP4, BP7

NM_001408.3(CELSR2):c.7491C>T (p.Ala2497=)

Gene: CELSR2 (cadherin EGF LAG seven-pass G-type receptor 2; plus strand). Cytogenetic location: 1p13.3.
Variant type: single nucleotide variant.
Coding change: c.7491C>T on transcript NM_001408.3 (MANE Select); coding-DNA position 7491, C replaced by T.
Protein change: p.Ala2497=; no amino-acid change (alanine 2497 retained).
Molecular consequence: synonymous variant.
Genome position (GRCh38, 1-based): chr1:109,270,934, C>T. VCF-style: chr1-109270934-C-T. GRCh37 (hg19) VCF-style: chr1-109813556-C-T.
Identifiers: ClinVar variation 4084220 (VCV004084220.8).